The following is an entry in ClinVar:

NM_006118.4(HAX1):c.424G>T (p.Gly142Trp)

Gene: HAX1 (HCLS1 associated protein X-1; plus strand). Cytogenetic location: 1q21.3.
Variant type: single nucleotide variant.
Coding change: c.424G>T on transcript NM_006118.4 (MANE Select); coding-DNA position 424, G replaced by T.
Protein change: p.Gly142Trp; replaces glycine 142 with tryptophan.
Molecular consequence: missense variant.
Genome position (GRCh38, 1-based): chr1:154,273,881, G>T. VCF-style: chr1-154273881-G-T. GRCh37 (hg19) VCF-style: chr1-154246357-G-T.
Other names: c.280G>T, p.Gly94Trp (NM_001018837.2); short protein forms G142W, G94W.
Identifiers: ClinVar variation 2279253 (VCV002279253.3), dbSNP rs969033259, ClinGen allele CA342592760.

ClinVar aggregate classification (germline): Uncertain significance (1 of 4 stars; one submission).

Conditions:
Inborn genetic diseases. Identifiers: MedGen C0950123, MeSH D030342.

Allele frequency attached by ClinVar (database versions not stated): TOPMed below 0.00001.
gnomAD v4.1: 29 of 1,613,934 alleles (0.0018%); highest among the groups gnomAD compares: Non-Finnish European, 0.0021%; no homozygotes.

Submission:

Ambry Genetics
Classification: Uncertain significance for Inborn genetic diseases. Last evaluated: 2025-01-25. Review status: criteria provided, single submitter. Criteria: Ambry Variant Classification Scheme 2023. Collection method: clinical testing. Allele origin: germline.
Comment: The p.G142W variant (also known as c.424G>T), located in coding exon 3 of the HAX1 gene, results from a G to T substitution at nucleotide position 424. The glycine at codon 142 is replaced by tryptophan, an amino acid with highly dissimilar properties. This amino acid position is conserved. In addition, this alteration is predicted to be tolerated by in silico analysis. Based on the available evidence, the clinical significance of this variant remains unclear.